The following is an entry in ClinVar:

ClinVar aggregate classification (germline): Likely benign. Review status: criteria provided, multiple submitters, no conflicts (2 of 4 stars). 3 submissions from 3 submitters: Likely benign (2). 1 of the submissions does not count toward it. Last evaluated 2025-10-15.

Conditions:
CSF2RB-related disorder. Also called: CSF2RB-related condition.

Allele frequency attached by ClinVar (database versions not stated): gnomAD exomes 0.00017; ExAC 0.00054; gnomAD 0.00072 and 0.00078; TOPMed 0.00079; ESP Exome Variant Server 0.00096; 1000 Genomes Project 0.00100; 1000 Genomes Project 30x 0.00109.

Submissions (3):

Labcorp Genetics (formerly Invitae), Labcorp
Classification: Likely benign. Last evaluated: 2025-10-15. Review status: criteria provided, single submitter. Criteria: Invitae Variant Classification Sherloc (09022015). Collection method: clinical testing. Allele origin: germline.

Mayo Clinic Laboratories, Mayo Clinic
Classification: Likely benign. Last evaluated: 2025-08-11. Review status: criteria provided, single submitter. Criteria: ACMG Guidelines, 2015. Collection method: clinical testing. Allele origin: germline. Observed: 1 variant allele.
Comment: BS2_supporting, BP4_moderate

PreventionGenetics, part of Exact Sciences
Classification: Likely benign for CSF2RB-related condition. Last evaluated: 2022-02-23. Review status: no assertion criteria provided. Collection method: clinical testing. Allele origin: germline. Not counted in ClinVar's aggregate classification.
Comment: This variant is classified as likely benign based on ACMG/AMP sequence variant interpretation guidelines (Richards et al. 2015 PMID: 25741868, with internal and published modifications).

NM_000395.3(CSF2RB):c.1826C>T (p.Pro609Leu)

Gene: CSF2RB (colony stimulating factor 2 receptor subunit beta; plus strand). Cytogenetic location: 22q12.3.
Variant type: single nucleotide variant.
Coding change: c.1826C>T on transcript NM_000395.3 (MANE Select); coding-DNA position 1826, C replaced by T.
Protein change: p.Pro609Leu; replaces proline 609 with leucine.
Molecular consequence: missense variant.
Genome position (GRCh38, 1-based): chr22:36,937,634, C>T. VCF-style: chr22-36937634-C-T. GRCh37 (hg19) VCF-style: chr22-37333676-C-T.
Other names: p.Pro609Leu; c.1826C>T (NM_000395.2); short protein forms P609L.
Identifiers: ClinVar variation 1025392 (VCV001025392.12), dbSNP rs201359565, ClinGen allele CA10213985.